The following is an entry in ClinVar:

NM_006744.4(RBP4):c.41G>A (p.Gly14Asp)

Gene: RBP4 (retinol binding protein 4; minus strand). Cytogenetic location: 10q23.33.
Variant type: single nucleotide variant.
Coding change: c.41G>A on transcript NM_006744.4 (MANE Select); coding-DNA position 41, G replaced by A.
Protein change: p.Gly14Asp; replaces glycine 14 with aspartic acid.
Molecular consequence: missense variant. On other transcripts: intron variant (1).
Genome position (GRCh38, 1-based): chr10:93,600,988, C>T on the plus strand (G>A on the coding strand, the complement: RBP4 is on the minus strand). VCF-style: chr10-93600988-C-T. GRCh37 (hg19) VCF-style: chr10-95360745-C-T.
Other names: c.41G>A, p.Gly14Asp (NM_001323517.1); c.52-17G>A (NM_001323518.2); short protein forms G14D.
Identifiers: ClinVar variation 1422590 (VCV001422590.8), dbSNP rs560465876, ClinGen allele CA5609691.

ClinVar aggregate classification (germline): Uncertain significance (1 of 4 stars; one submission).

Allele frequency attached by ClinVar (database versions not stated): ExAC 0.00001; gnomAD exomes 0.00001; TOPMed 0.00002; gnomAD 0.00003; 1000 Genomes Project 30x 0.00016; 1000 Genomes Project 0.00020.

Submission:

Labcorp Genetics (formerly Invitae), Labcorp
Classification: Uncertain significance. Last evaluated: 2024-07-13. Review status: criteria provided, single submitter. Criteria: Invitae Variant Classification Sherloc (09022015). Collection method: clinical testing. Allele origin: germline.
Comment: This sequence change replaces glycine, which is neutral and non-polar, with aspartic acid, which is acidic and polar, at codon 14 of the RBP4 protein (p.Gly14Asp). This variant is present in population databases (rs560465876, gnomAD 0.02%). This variant has not been reported in the literature in individuals affected with RBP4-related conditions. ClinVar contains an entry for this variant (Variation ID: 1422590). An algorithm developed to predict the effect of missense changes on protein structure and function (PolyPhen-2) suggests that this variant is likely to be disruptive. In summary, the available evidence is currently insufficient to determine the role of this variant in disease. Therefore, it has been classified as a Variant of Uncertain Significance.